The following is an entry in ClinVar:

GRCh38/hg38 7q31.1(chr7:109778987-110317950)x1

Gene: LOC113687185 (Sharpr-MPRA regulatory region 14344; plus strand). Cytogenetic location: 7q31.1.
Variant type: copy number loss.
Change: copy number 1 (one copy instead of two) of chr7:109,778,987-110,317,950 (539.0 kb, GRCh38 coordinates, 1-based), cytogenetic band 7q31.1.
Identifiers: ClinVar variation 58898 (VCV000058898.1).

ClinVar aggregate classification (germline): Uncertain significance (1 of 4 stars; one submission).

Submission:

ISCA site 17
Classification: Uncertain significance. Last evaluated: 2011-08-12. Review status: criteria provided, single submitter. Criteria: Kaminsky et al. (Genet Med. 2011). Collection method: clinical testing. Allele origin: unknown. Affected: yes. Observed: 1 variant allele.
Comment: Copy number variation identified through the course of routine clinical cytogenomic testing in postnatal populations. Clinical assertions have been curated as described in Kaminsky et al. 2011.